The following is an entry in ClinVar:

NM_000836.4(GRIN2D):c.3383G>A (p.Gly1128Asp)

Gene: GRIN2D (glutamate ionotropic receptor NMDA type subunit 2D; plus strand). Cytogenetic location: 19q13.33.
Variant type: single nucleotide variant.
Coding change: c.3383G>A on transcript NM_000836.4 (MANE Select); coding-DNA position 3383, G replaced by A.
Protein change: p.Gly1128Asp; replaces glycine 1128 with aspartic acid.
Molecular consequence: missense variant.
Genome position (GRCh38, 1-based): chr19:48,443,309, G>A. VCF-style: chr19-48443309-G-A. GRCh37 (hg19) VCF-style: chr19-48946566-G-A.
Other names: short protein forms G1128D.
Identifiers: ClinVar variation 1515759 (VCV001515759.8), dbSNP rs1010248277, ClinGen allele CA406675930.

ClinVar aggregate classification (germline): Uncertain significance (1 of 4 stars; one submission).

Allele frequency attached by ClinVar (database versions not stated): gnomAD exomes 0.00002 and 0.00001.

Submission:

Labcorp Genetics (formerly Invitae), Labcorp
Classification: Uncertain significance. Last evaluated: 2025-05-10. Review status: criteria provided, single submitter. Criteria: Invitae Variant Classification Sherloc (09022015). Collection method: clinical testing. Allele origin: germline.
Comment: This sequence change replaces glycine, which is neutral and non-polar, with aspartic acid, which is acidic and polar, at codon 1128 of the GRIN2D protein (p.Gly1128Asp). The frequency data for this variant in the population databases is considered unreliable, as metrics indicate poor data quality at this position in the gnomAD database. This variant has not been reported in the literature in individuals affected with GRIN2D-related conditions. ClinVar contains an entry for this variant (Variation ID: 1515759). Invitae Evidence Modeling of protein sequence and biophysical properties (such as structural, functional, and spatial information, amino acid conservation, physicochemical variation, residue mobility, and thermodynamic stability) indicates that this missense variant is not expected to disrupt GRIN2D protein function with a negative predictive value of 95%. In summary, the available evidence is currently insufficient to determine the role of this variant in disease. Therefore, it has been classified as a Variant of Uncertain Significance.